The following is an entry in ClinVar:

NM_004380.3(CREBBP):c.2076C>T (p.Pro692=)

Gene: CREBBP (CREB binding lysine acetyltransferase; minus strand). Cytogenetic location: 16p13.3.
Variant type: single nucleotide variant.
Coding change: c.2076C>T on transcript NM_004380.3 (MANE Select); coding-DNA position 2076, C replaced by T.
Protein change: p.Pro692=; no amino-acid change (proline 692 retained).
Molecular consequence: synonymous variant.
Genome position (GRCh38, 1-based): chr16:3,778,048, G>A on the plus strand (C>T on the coding strand, the complement: CREBBP is on the minus strand). VCF-style: chr16-3778048-G-A. GRCh37 (hg19) VCF-style: chr16-3828049-G-A.
Other names: c.2076C>T (NM_004380.2); c.1962C>T, p.Pro654= (NM_001079846.1).
Identifiers: ClinVar variation 3704839 (VCV003704839.3).

ClinVar aggregate classification (germline): Likely benign. Review status: criteria provided, multiple submitters, no conflicts (2 of 4 stars). 2 submissions from 2 submitters: Likely benign (2). Last evaluated 2026-05-30.

Conditions:
Rubinstein-Taybi syndrome (RSTS). Identifiers: Orphanet 783, MedGen C0035934, MONDO:0019188.
CREBBP-related disorder. Also called: CREBBP-related condition; CREBBP-related disorders.

gnomAD v4.1: 12 of 1,614,066 alleles (0.00074%); highest among the groups gnomAD compares: African/African-American, 0.013%; no homozygotes.

Submissions (2):

PreventionGenetics, part of Exact Sciences
Classification: Likely benign for CREBBP-related condition. Last evaluated: 2026-05-30. Review status: criteria provided, single submitter. Criteria: ACMG Guidelines, 2015. Collection method: clinical testing. Allele origin: germline.
Comment: This variant is classified as likely benign based on ACMG/AMP sequence variant interpretation guidelines (Richards et al. 2015 PMID: 25741868, with internal and published modifications).

Labcorp Genetics (formerly Invitae), Labcorp
Classification: Likely benign for Rubinstein-Taybi syndrome. Last evaluated: 2025-07-27. Review status: criteria provided, single submitter. Criteria: Invitae Variant Classification Sherloc (09022015). Collection method: clinical testing. Allele origin: germline.